The following is an entry in ClinVar:

ClinVar aggregate classification (germline): Pathogenic. Review status: criteria provided, multiple submitters, no conflicts (2 of 4 stars). 2 submissions from 2 submitters: Pathogenic (2). Last evaluated 2026-05-12.

Conditions:
Episodic kinesigenic dyskinesia (EKD). Also called: Paroxysmal kinesigenic dyskinesia. Identifiers: Orphanet 98809, MedGen C1868682, MONDO:0044202.

Submissions (2):

GeneDx
Classification: Pathogenic. Last evaluated: 2026-05-12. Review status: criteria provided, single submitter. Criteria: GeneDx Variant Classification Process June 2021. Collection method: clinical testing. Allele origin: germline.
Comment: Reported in an individual from a cohort with PRRT2 variants or 16p11.2 microdeletion syndrome; patient specific information was not provided (PMID: 41998443); Nonsense variant predicted to result in protein truncation or nonsense mediated decay in a gene for which loss of function is a known mechanism of disease; Not observed at significant frequency in large population cohorts (gnomAD); This variant is associated with the following publications: (PMID: 41998443)

Labcorp Genetics (formerly Invitae), Labcorp
Classification: Pathogenic for Episodic kinesigenic dyskinesia. Last evaluated: 2024-07-01. Review status: criteria provided, single submitter. Criteria: Invitae Variant Classification Sherloc (09022015). Collection method: clinical testing. Allele origin: germline.
Comment: This sequence change creates a premature translational stop signal (p.Gln299*) in the PRRT2 gene. It is expected to result in an absent or disrupted protein product. Loss-of-function variants in PRRT2 are known to be pathogenic (PMID: 22623405, 22744660). This variant is not present in population databases (gnomAD no frequency). This variant has not been reported in the literature in individuals affected with PRRT2-related conditions. ClinVar contains an entry for this variant (Variation ID: 2119233). Algorithms developed to predict the effect of sequence changes on RNA splicing suggest that this variant may disrupt the consensus splice site. For these reasons, this variant has been classified as Pathogenic.

Literature cited by the submitters: PubMed 22623405 (cited by Labcorp Genetics (formerly Invitae), Labcorp); PubMed 22744660 (cited by Labcorp Genetics (formerly Invitae), Labcorp).

NM_145239.3(PRRT2):c.895C>T (p.Gln299Ter)

Genes: MVP-DT (MVP divergent transcript; minus strand), PRRT2 (proline rich transmembrane protein 2; plus strand). Cytogenetic location: 16p11.2.
Variant type: single nucleotide variant.
Coding change: c.895C>T on transcript NM_145239.3 (MANE Select); coding-DNA position 895, C replaced by T.
Protein change: p.Gln299Ter; replaces glutamine 299 with a stop codon.
Molecular consequence: nonsense. On other transcripts: 3 prime UTR variant (1).
Genome position (GRCh38, 1-based): chr16:29,814,348, C>T. VCF-style: chr16-29814348-C-T. GRCh37 (hg19) VCF-style: chr16-29825669-C-T.
Other names: c.895C>T, p.Gln299Ter (NM_001256442.2); c.*394C>T (NM_001256443.2); short protein forms Q299*.
Identifiers: ClinVar variation 2119233 (VCV002119233.6), dbSNP rs2543338879, ClinGen allele CA395480510.
Genomic context (GRCh38, chr16:29,814,348, plus strand): 5'-CTCCTGACCCCGGCTATGTGCCTCCACCCCTCGCCCTAACCCCAGTCCCGGAACAGCCTG[C>T]AGCAGGGGGACGTGGACGGGGCCCAGCGTCTGGGCCGGGTAGCCAAGCTCTTAAGCATCG-3'